The following is an entry in ClinVar:

NM_001009999.3(KDM1A):c.840T>A (p.Gly280=)

Gene: KDM1A (lysine demethylase 1A; plus strand). Cytogenetic location: 1p36.12.
Variant type: single nucleotide variant.
Coding change: c.840T>A on transcript NM_001009999.3 (MANE Select); coding-DNA position 840, T replaced by A.
Protein change: p.Gly280=; no amino-acid change (glycine 280 retained).
Molecular consequence: synonymous variant.
Genome position (GRCh38, 1-based): chr1:23,055,118, T>A. VCF-style: chr1-23055118-T-A. GRCh37 (hg19) VCF-style: chr1-23381611-T-A.
Other names: c.780T>A, p.Gly260= (NM_001363654.2, NM_001410763.1, NM_015013.4); c.840T>A, p.Gly280= (NM_001410762.1).
Identifiers: ClinVar variation 3026120 (VCV003026120.24), dbSNP rs1381689295, ClinGen allele CA416594672.

ClinVar aggregate classification (germline): Likely benign. Review status: criteria provided, multiple submitters, no conflicts (2 of 4 stars). 3 submissions from 3 submitters: Likely benign (3). Last evaluated 2025-07-14.

Allele frequency attached by ClinVar (database versions not stated): gnomAD exomes 0.00001; TOPMed 0.00001; gnomAD 0.00002.
gnomAD v4.1: 22 of 1,612,512 alleles (0.0014%); highest among the groups gnomAD compares: Non-Finnish European, 0.0017%; no homozygotes.

Submissions (3):

Labcorp Genetics (formerly Invitae), Labcorp
Classification: Likely benign. Last evaluated: 2025-07-14. Review status: criteria provided, single submitter. Criteria: Invitae Variant Classification Sherloc (09022015). Collection method: clinical testing. Allele origin: germline.

CeGaT Center for Human Genetics Tuebingen
Classification: Likely benign. Last evaluated: 2024-02-01. Review status: criteria provided, single submitter. Criteria: CeGaT Center For Human Genetics Tuebingen Variant Classification Criteria Version 2. Collection method: clinical testing. Allele origin: germline. Affected: yes. Observed: 1 variant allele.
Comment: KDM1A: BP4, BP7

Blueprint Genetics
Classification: Likely benign. Last evaluated: 2024-01-11. Review status: criteria provided, single submitter. Criteria: ACMG Guidelines, 2015. Collection method: clinical testing. Allele origin: germline.